The following is an entry in ClinVar:

ClinVar aggregate classification (germline): Uncertain significance (1 of 4 stars; one submission).

Allele frequency attached by ClinVar (database versions not stated): gnomAD exomes below 0.00001.
gnomAD v4.1: 2 of 1,613,394 alleles (0.00012%); highest among the groups gnomAD compares: African/African-American, 0.0027%; no homozygotes.

Submission:

GeneDx
Classification: Uncertain significance. Last evaluated: 2014-10-17. Review status: criteria provided, single submitter. Criteria: GeneDx Variant Classification (06012015). Collection method: clinical testing. Allele origin: germline. Affected: yes.
Comment: Missense variants in the TTN gene are considered 'unclassified' if they are not previously reported in the literature and do not have >1% frequency in the population to be considered a polymorphism. Research indicates that truncating mutations in the TTN gene are expected to account for approximately 25% of familial and 18% of sporadic idiopathic DCM; however, truncating variants in the TTN gene have been reported in approximately 3% of reported control alleles. There has been little investigation into non-truncating variants. (Herman D et al. Truncations of titin causing dilated cardiomyopathy. N Eng J Med 366:619-628, 2012) The variant is found in CARDIOMYOPATHY panel(s).

NM_001267550.2(TTN):c.72131G>A (p.Gly24044Asp)

Genes: TTN (titin; minus strand), TTN-AS1 (TTN antisense RNA 1; plus strand). Cytogenetic location: 2q31.2.
Variant type: single nucleotide variant.
Coding change: c.72131G>A on transcript NM_001267550.2 (MANE Select); coding-DNA position 72131, G replaced by A.
Protein change: p.Gly24044Asp; replaces glycine 24044 with aspartic acid.
Molecular consequence: missense variant.
Genome position (GRCh38, 1-based): chr2:178,574,001, C>T on the plus strand (G>A on the coding strand, the complement: TTN is on the minus strand). VCF-style: chr2-178574001-C-T. GRCh37 (hg19) VCF-style: chr2-179438728-C-T.
Other names: p.G22403D:GGT>GAT; c.67208G>A, p.Gly22403Asp (NM_001256850.1); c.44936G>A, p.Gly14979Asp (NM_003319.4); c.64427G>A, p.Gly21476Asp (NM_133378.4); c.45311G>A, p.Gly15104Asp (NM_133432.3); c.45512G>A, p.Gly15171Asp (NM_133437.4); short protein forms G22403D, G24044D, G15171D, G21476D, G14979D, G15104D.
Identifiers: ClinVar variation 202838 (VCV000202838.2), dbSNP rs794729491, ClinGen allele CA310442.